The following is an entry in ClinVar:

NM_024120.5(NDUFAF5):c.183G>C (p.Arg61=)

Genes: NDUFAF5 (NADH:ubiquinone oxidoreductase complex assembly factor 5; plus strand), LOC130065433 (ATAC-STARR-seq lymphoblastoid active region 17552; plus strand). Cytogenetic location: 20p12.1.
Variant type: single nucleotide variant.
Coding change: c.183G>C on transcript NM_024120.5 (MANE Select); coding-DNA position 183, G replaced by C.
Protein change: p.Arg61=; no amino-acid change (arginine 61 retained).
Molecular consequence: synonymous variant. On other transcripts: 5 prime UTR variant (3), non-coding transcript variant (7).
Genome position (GRCh38, 1-based): chr20:13,785,251, G>C. VCF-style: chr20-13785251-G-C. GRCh37 (hg19) VCF-style: chr20-13765897-G-C.
Other names: p.R61R:CGG>CGC; p.Arg61=; c.183G>C, p.Arg61= (NM_001039375.3, NM_001352408.2); c.-185G>C (NM_001352403.2); c.-399G>C (NM_001352406.2); c.-513G>C (NM_001352407.2).
Identifiers: ClinVar variation 136600 (VCV000136600.65), dbSNP rs139219896, ClinGen allele CA208045.

ClinVar aggregate classification (germline): Conflicting classifications of pathogenicity. Review status: criteria provided, conflicting classifications (1 of 4 stars). 9 submissions from 9 submitters: Uncertain significance (1); Benign (5); Likely benign (2). 1 of the submissions does not count toward it. Last evaluated 2026-09-01.

Conditions:
Mitochondrial complex I deficiency, nuclear type 16. Also called: Mitochondrial complex 1 deficiency, nuclear type 16. Identifiers: MedGen C4748785, MONDO:0032621, OMIM 618238.
Mitochondrial complex I deficiency. Also called: NADH:Q(1) OXIDOREDUCTASE DEFICIENCY. Identifiers: Orphanet 2609, MedGen C1838979, MeSH C537475, MONDO:0100133.

Allele frequency attached by ClinVar (database versions not stated): 1000 Genomes Project 30x 0.00125; 1000 Genomes Project 0.00140; TOPMed 0.00352; ESP Exome Variant Server 0.00354; gnomAD 0.00449 and 0.00468; gnomAD exomes 0.00519; ExAC 0.00540.
gnomAD v4.1: 8,414 of 1,612,916 alleles (0.52%); highest among the groups gnomAD compares: Middle Eastern, 1.6%; 35 homozygotes.

Submissions (9):

CeGaT Center for Human Genetics Tuebingen
Classification: Likely benign. Last evaluated: 2026-09-01. Review status: criteria provided, single submitter. Criteria: CeGaT Center For Human Genetics Tuebingen Variant Classification Criteria Version 2. Collection method: clinical testing. Allele origin: germline. Affected: yes. Observed: 14 variant alleles.
Comment: NDUFAF5: BP4, BS2

Labcorp Genetics (formerly Invitae), Labcorp
Classification: Benign. Last evaluated: 2026-02-04. Review status: criteria provided, single submitter. Criteria: Invitae Variant Classification Sherloc (09022015). Collection method: clinical testing. Allele origin: germline.

Blueprint Genetics
Classification: Likely benign. Last evaluated: 2024-11-25. Review status: criteria provided, single submitter. Criteria: ACMG Guidelines, 2015. Collection method: clinical testing. Allele origin: germline.

ARUP Laboratories, Molecular Genetics and Genomics, ARUP Laboratories
Classification: Benign for Mitochondrial complex I deficiency, nuclear type 16. Last evaluated: 2023-11-01. Review status: criteria provided, single submitter. Criteria: ARUP Molecular Germline Variant Investigation Process 2024. Collection method: clinical testing. Allele origin: germline.

Mayo Clinic Laboratories, Mayo Clinic
Classification: Benign. Last evaluated: 2022-09-30. Review status: criteria provided, single submitter. Criteria: ACMG Guidelines, 2015. Collection method: clinical testing. Allele origin: germline. Observed: 7 variant alleles.
Comment: BS1, BS2, BP7

Genome-Nilou Lab
Classification: Benign for Mitochondrial complex I deficiency, nuclear type 16. Last evaluated: 2021-05-18. Review status: criteria provided, single submitter. Criteria: ACMG Guidelines, 2015. Collection method: clinical testing. Allele origin: germline. Affected: no.

Genetic Services Laboratory, University of Chicago
Classification: Uncertain significance. Last evaluated: 2014-06-27. Review status: criteria provided, single submitter. Criteria: ACMG Guidelines, 2015. Collection method: clinical testing. Allele origin: germline.

GeneDx
Classification: Benign. Last evaluated: 2014-05-02. Review status: criteria provided, single submitter. Criteria: GeneDx Variant Classification (06012015). Collection method: clinical testing. Allele origin: germline. Affected: yes.
Comment: This variant is considered likely benign or benign based on one or more of the following criteria: it is a conservative change, it occurs at a poorly conserved position in the protein, it is predicted to be benign by multiple in silico algorithms, and/or has population frequency not consistent with disease.

Natera, Inc.
Classification: Likely benign for Mitochondrial complex I deficiency. Last evaluated: 2019-11-11. Review status: no assertion criteria provided. Collection method: clinical testing. Allele origin: germline. Not counted in ClinVar's aggregate classification.